The following is an entry in ClinVar:

NM_001854.4(COL11A1):c.5376T>C (p.Asn1792=)

Gene: COL11A1 (collagen type XI alpha 1 chain; minus strand). Cytogenetic location: 1p21.1.
Variant type: single nucleotide variant.
Coding change: c.5376T>C on transcript NM_001854.4 (MANE Select); coding-DNA position 5376, T replaced by C.
Protein change: p.Asn1792=; no amino-acid change (asparagine 1792 retained).
Molecular consequence: synonymous variant. On other transcripts: non-coding transcript variant (1).
Genome position (GRCh38, 1-based): chr1:102,878,064, A>G on the plus strand (T>C on the coding strand, the complement: COL11A1 is on the minus strand). VCF-style: chr1-102878064-A-G. GRCh37 (hg19) VCF-style: chr1-103343620-A-G.
Other names: c.5412T>C, p.Asn1804= (NM_080629.3); c.5028T>C, p.Asn1676= (NM_080630.4); c.5259T>C, p.Asn1753= (NM_001190709.2).
Identifiers: ClinVar variation 4823189 (VCV004823189.4).

ClinVar aggregate classification (germline): Uncertain significance (1 of 4 stars; one submission).

Submission:

CeGaT Center for Human Genetics Tuebingen
Classification: Uncertain significance. Last evaluated: 2026-02-01. Review status: criteria provided, single submitter. Criteria: CeGaT Center For Human Genetics Tuebingen Variant Classification Criteria Version 2. Collection method: clinical testing. Allele origin: germline. Affected: yes. Observed: 1 variant allele.
Comment: COL11A1: PM2:Supporting, BP4